The following is an entry in ClinVar:

ClinVar aggregate classification (germline): Uncertain significance (1 of 4 stars; one submission).

gnomAD v4.1: 53 of 1,589,516 alleles (0.0033%); highest among the groups gnomAD compares: African/African-American, 0.04%; no homozygotes.

Submission:

Mayo Clinic Laboratories, Mayo Clinic
Classification: Uncertain significance. Last evaluated: 2023-12-20. Review status: criteria provided, single submitter. Criteria: ACMG Guidelines, 2015. Collection method: clinical testing. Allele origin: germline. Observed: 1 variant allele.
Comment: BP4, PM1

NM_001465.6(FYB1):c.1328C>T (p.Thr443Met)

Gene: FYB1 (FYN binding protein 1; minus strand). Cytogenetic location: 5p13.1.
Variant type: single nucleotide variant.
Coding change: c.1328C>T on transcript NM_001465.6 (MANE Select); coding-DNA position 1328, C replaced by T.
Protein change: p.Thr443Met; replaces threonine 443 with methionine.
Molecular consequence: missense variant.
Genome position (GRCh38, 1-based): chr5:39,141,106, G>A on the plus strand (C>T on the coding strand, the complement: FYB1 is on the minus strand). VCF-style: chr5-39141106-G-A. GRCh37 (hg19) VCF-style: chr5-39141208-G-A.
Other names: p.Thr443Met; c.1358C>T, p.Thr453Met (NM_001243093.2, NM_018594.2); c.1328C>T, p.Thr443Met (NM_001349333.2, NM_199335.5); short protein forms T443M, T453M.
Identifiers: ClinVar variation 3379587 (VCV003379587.1).
Genomic context (GRCh38, chr5:39,141,106, plus strand): 5'-TGTACCTGAGTTTACAAATAAATAAATAAAATATGTTTTTGTCGTTTACCATCAGAGTGC[G>A]TGACACCATCTTGATTGTCTTCATTGACAGGGCTTCTGAAAACGAGAAAGAAGAAACAGT-3'
Protein context (NP_001456.3, residues 433-453): PVNEDNQDGV[Thr443Met]HSDGAGNLDE